The following is an entry in ClinVar:

ClinVar aggregate classification (germline): Benign (0 of 4 stars; one submission).

Conditions:
ABCG1-related disorder. Also called: ABCG1-related condition.

Submission:

PreventionGenetics, part of Exact Sciences
Classification: Benign for ABCG1-related condition. Last evaluated: 2019-11-21. Review status: no assertion criteria provided. Collection method: clinical testing. Allele origin: germline.
Comment: This variant is classified as benign based on ACMG/AMP sequence variant interpretation guidelines (Richards et al. 2015 PMID: 25741868, with internal and published modifications).

NM_016818.3(ABCG1):c.-38GCC[12]

Gene: ABCG1 (ATP binding cassette subfamily G member 1; plus strand). Cytogenetic location: 21q22.3.
Variant type: Microsatellite.
Coding change: c.-38GCC[12] on transcript NM_016818.3 (MANE Select); 12 copies in a row of the 3-base unit GCC starting at c.-38; the reference has ten copies in a row; two copies, 6 bases duplicated.
Molecular consequence: 5 prime UTR variant. On other transcripts: intron variant (3).
Genome position (GRCh38, 1-based): chr21:42,219,249-42,219,254, GCCGCC duplicated; duplicating any 6 consecutive bases within chr21:42,219,223-42,219,254 gives the same sequence; the position shown is the placement nearest the transcript's 3' end. VCF-style (leftmost placement, unchanged base first): chr21-42219222-C-CCCGCCG. GRCh37 (hg19) VCF-style: chr21-43639332-C-CCCGCCG.
Other names: c.-38GCC[12] (NM_004915.4); c.49-6448CCG[12] (NM_207627.2); c.-24-6448CCG[12] (NM_207628.1); c.33+3035CCG[12] (NM_207629.2).
Identifiers: ClinVar variation 3037187 (VCV003037187.2), dbSNP rs2234716, ClinGen allele CA10040787.
Genomic context (GRCh38, chr21:42,219,222, plus strand): 5'-CCCGCGCAGCGGCTGAGCCGGGAGCCAGCGCAGCCTCGGCCCCGCAGCTCAAGCCTCGTC[C>CCCGCCG]CCGCCGCCGCCGCCGCCGCCGCCGCCGCCGCCCCCGGGGCATGGCCTGTCTGATGGCCGC-3'